The following is an entry in ClinVar:

ClinVar aggregate classification (germline): Likely pathogenic (1 of 4 stars; one submission).

Conditions:
Hypertrichotic osteochondrodysplasia Cantu type. Also called: Cantu Syndrome; Cantú Syndrome. Identifiers: Orphanet 1517, MedGen C0795905, MONDO:0009406, OMIM 239850.

gnomAD v4.1: 1 of 1,614,150 alleles (0.000062%); no homozygotes.

Submission:

Laboratory of Medical Genetics, National & Kapodistrian University of Athens
Classification: Likely pathogenic for Hypertrichotic osteochondrodysplasia Cantu type. Last evaluated: 2022-06-28. Review status: criteria provided, single submitter. Criteria: ACMG Guidelines, 2015. Collection method: clinical testing. Allele origin: de novo. Affected: yes.
Comment: PS2, PM2, PP3

NM_004982.4(KCNJ8):c.712G>A (p.Gly238Arg)

Genes: KCNJ8 (potassium inwardly rectifying channel subfamily J member 8; minus strand), KCNJ8-AS1 (KCNJ8 antisense RNA 1; plus strand). Cytogenetic location: 12p12.1.
Variant type: single nucleotide variant.
Coding change: c.712G>A on transcript NM_004982.4 (MANE Select); coding-DNA position 712, G replaced by A.
Protein change: p.Gly238Arg; replaces glycine 238 with arginine.
Molecular consequence: missense variant.
Genome position (GRCh38, 1-based): chr12:21,766,286, C>T on the plus strand (G>A on the coding strand, the complement: KCNJ8 is on the minus strand). VCF-style: chr12-21766286-C-T. GRCh37 (hg19) VCF-style: chr12-21919220-C-T.
Other names: short protein forms G238R.
Identifiers: ClinVar variation 1708157 (VCV001708157.1), dbSNP rs1366543712, ClinGen allele CA384124984.